The following is an entry in ClinVar:

NM_000297.4(PKD2):c.983_984del (p.Asn328fs)

Gene: PKD2 (polycystin 2, transient receptor potential cation channel; plus strand). Cytogenetic location: 4q22.1.
Variant type: Deletion.
Coding change: c.983_984del on transcript NM_000297.4 (MANE Select); coding-DNA positions 983 to 984, 2 bases deleted (AT; older notation c.983_984delAT).
Protein change: p.Asn328fs; shifts the reading frame from asparagine 328.
Molecular consequence: frameshift variant. On other transcripts: non-coding transcript variant (1).
Genome position (GRCh38, 1-based): chr4:88,038,390-88,038,391, AT deleted. VCF-style (leftmost placement, unchanged base first): chr4-88038389-AAT-A. GRCh37 (hg19) VCF-style: chr4-88959541-AAT-A.
Other names: short protein forms N328fs.
Identifiers: ClinVar variation 3236149 (VCV003236149.1), dbSNP rs2475901452, ClinGen allele CA2825001314.

ClinVar aggregate classification (germline): Pathogenic (1 of 4 stars; one submission).

Conditions:
Polycystic kidney disease 2 (PKD2). Also called: Polycystic Kidney Disease 2, Autosomal Dominant; POLYCYSTIC KIDNEY DISEASE 2 WITH OR WITHOUT POLYCYSTIC LIVER DISEASE; POLYCYSTIC KIDNEY DISEASE, ADULT, TYPE II. Identifiers: MedGen C2751306, MONDO:0013131, OMIM 613095.

Submission:

MVZ Medizinische Genetik Mainz
Classification: Pathogenic for Polycystic kidney disease 2. Last evaluated: 2023-05-19. Review status: criteria provided, single submitter. Criteria: UK Practice Guidelines For Variant Classification V4 01 2020. Collection method: clinical testing. Allele origin: germline. Inheritance: Autosomal dominant inheritance. Affected: yes. Observed: 1 variant allele.
Comment: ACMG Criteria: PVS1,PM2_SUP,PP4